The following is an entry in ClinVar:

NM_024577.4(SH3TC2):c.*2900G>T

Gene: SH3TC2 (SH3 domain and tetratricopeptide repeats 2; minus strand). Cytogenetic location: 5q32.
Variant type: single nucleotide variant.
Coding change: c.*2900G>T on transcript NM_024577.4 (MANE Select); 2900 bases downstream of the stop codon, G replaced by T.
Molecular consequence: 3 prime UTR variant.
Genome position (GRCh38, 1-based): chr5:149,001,811, C>A on the plus strand (G>T on the coding strand, the complement: SH3TC2 is on the minus strand). VCF-style: chr5-149001811-C-A. GRCh37 (hg19) VCF-style: chr5-148381374-C-A.
Identifiers: ClinVar variation 351849 (VCV000351849.7), dbSNP rs3763019, ClinGen allele CA10620718.

ClinVar aggregate classification (germline): Benign/Likely benign. Review status: criteria provided, multiple submitters, no conflicts (2 of 4 stars). 4 submissions from 3 submitters: Benign (2); Likely benign (2). Last evaluated 2021-05-16.

Conditions:
Susceptibility to mononeuropathy of the median nerve, mild. Also called: CARPAL TUNNEL SYNDROME, SUSCEPTIBILITY TO. Identifiers: MedGen C3150596, MONDO:0013237, OMIM 613353.
Charcot-Marie-Tooth disease type 4C (CMT4C). Also called: CHARCOT-MARIE-TOOTH DISEASE, DEMYELINATING, AUTOSOMAL RECESSIVE, TYPE 4C; CMT 4C; Charcot-Marie-Tooth Neuropathy Type 4C (CMT4C); CHARCOT-MARIE-TOOTH DISEASE, DEMYELINATING, TYPE 4C; SH3TC2-Related Hereditary Motor and Sensory Neuropathy. Identifiers: Orphanet 99949, MedGen C1866636, MONDO:0011113, OMIM 601596.

Allele frequency attached by ClinVar (database versions not stated): gnomAD 0.03116 and 0.03304; TOPMed 0.04512; 1000 Genomes Project 0.05531.

Submissions (4):

GeneDx
Classification: Likely benign. Last evaluated: 2021-05-16. Review status: criteria provided, single submitter. Criteria: GeneDx Variant Classification Process June 2021. Collection method: clinical testing. Allele origin: germline. Affected: yes.

Illumina Laboratory Services, Illumina
Classification: Benign for Susceptibility to mononeuropathy of the median nerve, mild. Last evaluated: 2018-01-12. Review status: criteria provided, single submitter. Criteria: ICSL Variant Classification Criteria 13 December 2019. Collection method: clinical testing. Allele origin: germline.
Comment: This variant was observed in the ICSL laboratory as part of a predisposition screen in an ostensibly healthy population. It had not been previously curated by ICSL or reported in the Human Gene Mutation Database (HGMD: prior to June 1st, 2018), and was therefore a candidate for classification through an automated scoring system. Utilizing variant allele frequency, disease prevalence and penetrance estimates, and inheritance mode, an automated score was calculated to assess if this variant is too frequent to cause the disease. Based on the score and internal cut-off values, a variant classified as benign is not then subjected to further curation. The score for this variant resulted in a classification of benign for this disease.

Illumina Laboratory Services, Illumina
Classification: Benign for Charcot-Marie-Tooth disease type 4C. Last evaluated: 2018-01-12. Review status: criteria provided, single submitter. Criteria: ICSL Variant Classification Criteria 13 December 2019. Collection method: clinical testing. Allele origin: germline.
Comment: the same text as in the submission from Illumina Laboratory Services, Illumina above.

Breakthrough Genomics
Classification: Likely benign. Review status: criteria provided, single submitter. Criteria: ACMG Guidelines, 2015. Collection method: not provided. Allele origin: germline. Inheritance: Autosomal recessive inheritance. Affected: yes.